The following is an entry in ClinVar:

ClinVar aggregate classification (germline): Uncertain significance (1 of 4 stars; one submission).

Submission:

Labcorp Genetics (formerly Invitae), Labcorp
Classification: Uncertain significance. Last evaluated: 2024-08-21. Review status: criteria provided, single submitter. Criteria: Invitae Variant Classification Sherloc (09022015). Collection method: clinical testing. Allele origin: germline.
Comment: This sequence change replaces alanine, which is neutral and non-polar, with threonine, which is neutral and polar, at codon 331 of the GRIN2D protein (p.Ala331Thr). This variant is not present in population databases (gnomAD no frequency). This variant has not been reported in the literature in individuals affected with GRIN2D-related conditions. Invitae Evidence Modeling of protein sequence and biophysical properties (such as structural, functional, and spatial information, amino acid conservation, physicochemical variation, residue mobility, and thermodynamic stability) indicates that this missense variant is not expected to disrupt GRIN2D protein function with a negative predictive value of 80%. In summary, the available evidence is currently insufficient to determine the role of this variant in disease. Therefore, it has been classified as a Variant of Uncertain Significance.

NM_000836.4(GRIN2D):c.991G>A (p.Ala331Thr)

Gene: GRIN2D (glutamate ionotropic receptor NMDA type subunit 2D; plus strand). Cytogenetic location: 19q13.33.
Variant type: single nucleotide variant.
Coding change: c.991G>A on transcript NM_000836.4 (MANE Select); coding-DNA position 991, G replaced by A.
Protein change: p.Ala331Thr; replaces alanine 331 with threonine.
Molecular consequence: missense variant.
Genome position (GRCh38, 1-based): chr19:48,405,259, G>A. VCF-style: chr19-48405259-G-A. GRCh37 (hg19) VCF-style: chr19-48908516-G-A.
Other names: short protein forms A331T.
Identifiers: ClinVar variation 3694515 (VCV003694515.2).
Genomic context (GRCh38, chr19:48,405,259, plus strand): 5'-GGCTGGCGGGATGACCTGGCTCGGCGAGTGGCAGCTGGCGTGGCCGTAGTGGCCAGAGGT[G>A]CCCAGGCCCTGCTGCGTGATTATGGTTTCCTTCCTGAGCTCGGCCACGACTGTCGCGCCC-3'
Protein context (NP_000827.2, residues 321-341): AAGVAVVARG[Ala331Thr]QALLRDYGFL